The following is an entry in ClinVar:

NM_001303256.3(MORC2):c.560A>T (p.Gln187Leu)

Gene: MORC2 (MORC family CW-type zinc finger 2; minus strand). Cytogenetic location: 22q12.2.
Variant type: single nucleotide variant.
Coding change: c.560A>T on transcript NM_001303256.3 (MANE Select); coding-DNA position 560, A replaced by T.
Protein change: p.Gln187Leu; replaces glutamine 187 with leucine.
Molecular consequence: missense variant.
Genome position (GRCh38, 1-based): chr22:30,942,138, T>A on the plus strand (A>T on the coding strand, the complement: MORC2 is on the minus strand). VCF-style: chr22-30942138-T-A. GRCh37 (hg19) VCF-style: chr22-31338125-T-A.
Other names: c.560A>T, p.Gln187Leu (NM_001303257.2); c.374A>T, p.Gln125Leu (NM_014941.3); short protein forms Q125L, Q187L.
Identifiers: ClinVar variation 2782359 (VCV002782359.3), dbSNP rs2040750443, ClinGen allele CA411243498.

ClinVar aggregate classification (germline): Uncertain significance (1 of 4 stars; one submission).

Conditions:
Charcot-Marie-Tooth disease axonal type 2Z. Also called: CHARCOT-MARIE-TOOTH DISEASE, AXONAL, AUTOSOMAL DOMINANT, TYPE 2Z; CHARCOT-MARIE-TOOTH NEUROPATHY, TYPE 2Z. Identifiers: Orphanet 466768, MedGen C5569025, MONDO:0014736, OMIM 616688.

Allele frequency attached by ClinVar (database versions not stated): TOPMed below 0.00001.

Submission:

Labcorp Genetics (formerly Invitae), Labcorp
Classification: Uncertain significance for Charcot-Marie-Tooth disease axonal type 2Z. Last evaluated: 2023-07-12. Review status: criteria provided, single submitter. Criteria: Invitae Variant Classification Sherloc (09022015). Collection method: clinical testing. Allele origin: germline.
Comment: In summary, the available evidence is currently insufficient to determine the role of this variant in disease. Therefore, it has been classified as a Variant of Uncertain Significance. Advanced modeling of protein sequence and biophysical properties (such as structural, functional, and spatial information, amino acid conservation, physicochemical variation, residue mobility, and thermodynamic stability) performed at Invitae indicates that this missense variant is expected to disrupt MORC2 protein function. This variant has not been reported in the literature in individuals affected with MORC2-related conditions. This variant is not present in population databases (gnomAD no frequency). This sequence change replaces glutamine, which is neutral and polar, with leucine, which is neutral and non-polar, at codon 187 of the MORC2 protein (p.Gln187Leu).